The following is an entry in ClinVar:

NM_004525.3(LRP2):c.8300G>A (p.Gly2767Asp)

Gene: LRP2 (LDL receptor related protein 2; minus strand). Cytogenetic location: 2q31.1.
Variant type: single nucleotide variant.
Coding change: c.8300G>A on transcript NM_004525.3 (MANE Select); coding-DNA position 8300, G replaced by A.
Protein change: p.Gly2767Asp; replaces glycine 2767 with aspartic acid.
Molecular consequence: missense variant.
Genome position (GRCh38, 1-based): chr2:169,201,780, C>T on the plus strand (G>A on the coding strand, the complement: LRP2 is on the minus strand). VCF-style: chr2-169201780-C-T. GRCh37 (hg19) VCF-style: chr2-170058290-C-T.
Other names: c.8300G>A (NM_004525.2); short protein forms G2767D.
Identifiers: ClinVar variation 1154315 (VCV001154315.13), dbSNP rs138382534, ClinGen allele CA1953890.
Genomic context (GRCh38, chr2:169,201,780, plus strand): 5'-ATAAACTCCGTGGTGGCATTGCAGTCCCTGAACAGGCACCCTGCCTCATCACTGCCATCA[C>T]CACAGTCATTGTAGTAATCACAGCGGTAAGAGTATTGGACACATCGCCCATTGGCACAGG-3'
Protein context (NP_004516.2, residues 2757-2777): SYRCDYYNDC[Gly2767Asp]DGSDEAGCLF

ClinVar aggregate classification (germline): Conflicting classifications of pathogenicity. Review status: criteria provided, conflicting classifications (1 of 4 stars). 4 submissions from 4 submitters: Uncertain significance (1); Likely benign (2). 1 of the submissions does not count toward it. Last evaluated 2026-02-04.

Conditions:
LRP2-related disorder. Also called: LRP2-related condition.

Allele frequency attached by ClinVar (database versions not stated): gnomAD exomes 0.00012 and 0.00003; ExAC 0.00014; 1000 Genomes Project 30x 0.00047; 1000 Genomes Project 0.00060; gnomAD 0.00004 and 0.00006; TOPMed 0.00005; ESP Exome Variant Server 0.00008.
gnomAD v4.1: 54 of 1,614,200 alleles (0.0033%); highest among the groups gnomAD compares: East Asian, 0.078%; no homozygotes.

Submissions (4):

Labcorp Genetics (formerly Invitae), Labcorp
Classification: Likely benign. Last evaluated: 2026-02-04. Review status: criteria provided, single submitter. Criteria: Invitae Variant Classification Sherloc (09022015). Collection method: clinical testing. Allele origin: germline.

GeneDx
Classification: Uncertain significance. Last evaluated: 2025-05-21. Review status: criteria provided, single submitter. Criteria: GeneDx Variant Classification Process June 2021. Collection method: clinical testing. Allele origin: germline. Affected: yes.
Comment: In silico analysis supports that this missense variant has a deleterious effect on protein structure/function; Has not been previously published as pathogenic or benign to our knowledge

Blueprint Genetics
Classification: Likely benign. Last evaluated: 2024-05-22. Review status: criteria provided, single submitter. Criteria: ACMG Guidelines, 2015. Collection method: clinical testing. Allele origin: germline.

PreventionGenetics, part of Exact Sciences
Classification: Likely benign for LRP2-related condition. Last evaluated: 2022-07-01. Review status: no assertion criteria provided. Collection method: clinical testing. Allele origin: germline. Not counted in ClinVar's aggregate classification.
Comment: This variant is classified as likely benign based on ACMG/AMP sequence variant interpretation guidelines (Richards et al. 2015 PMID: 25741868, with internal and published modifications).